The following is an entry in ClinVar:

ClinVar aggregate classification (germline): Uncertain significance (1 of 4 stars; one submission).

Conditions:
BAP1-related tumor predisposition syndrome (TPDS1). Also called: BAP1 tumor predisposition syndrome; Tumor susceptibility linked to germline BAP1 mutations; COMMON Syndrome; TUMOR PREDISPOSITION SYNDROME 1. Identifiers: Orphanet 289539, MedGen C3280492, MONDO:0013692, OMIM 614327.

Allele frequency attached by ClinVar (database versions not stated): gnomAD exomes below 0.00001.
gnomAD v4.1: 2 of 1,613,806 alleles (0.00012%); highest among the groups gnomAD compares: Non-Finnish European, 0.000085%; no homozygotes.

Submission:

Labcorp Genetics (formerly Invitae), Labcorp
Classification: Uncertain significance for BAP1-related tumor predisposition syndrome. Last evaluated: 2025-12-24. Review status: criteria provided, single submitter. Criteria: Invitae Variant Classification Sherloc (09022015). Collection method: clinical testing. Allele origin: germline.
Comment: This sequence change replaces aspartic acid, which is acidic and polar, with asparagine, which is neutral and polar, at codon 225 of the BAP1 protein (p.Asp225Asn). This variant is not present in population databases (gnomAD no frequency). This variant has not been reported in the literature in individuals affected with BAP1-related conditions. ClinVar contains an entry for this variant (Variation ID: 2129438). Invitae Evidence Modeling of protein sequence and biophysical properties (such as structural, functional, and spatial information, amino acid conservation, physicochemical variation, residue mobility, and thermodynamic stability) has been performed for this missense variant. However, the output from this modeling did not meet the statistical confidence thresholds required to predict the impact of this variant on BAP1 protein function. In summary, the available evidence is currently insufficient to determine the role of this variant in disease. Therefore, it has been classified as a Variant of Uncertain Significance.

NM_004656.4(BAP1):c.673G>A (p.Asp225Asn)

Gene: BAP1 (BRCA1 associated deubiquitinase 1; minus strand). Cytogenetic location: 3p21.1.
Variant type: single nucleotide variant.
Coding change: c.673G>A on transcript NM_004656.4 (MANE Select); coding-DNA position 673, G replaced by A.
Protein change: p.Asp225Asn; replaces aspartic acid 225 with asparagine.
Molecular consequence: missense variant.
Genome position (GRCh38, 1-based): chr3:52,406,363, C>T on the plus strand (G>A on the coding strand, the complement: BAP1 is on the minus strand). VCF-style: chr3-52406363-C-T. GRCh37 (hg19) VCF-style: chr3-52440379-C-T.
Other names: short protein forms D225N.
Identifiers: ClinVar variation 2129438 (VCV002129438.4), dbSNP rs2153227495, ClinGen allele CA353107566.